The following is an entry in ClinVar:

NM_005068.3(SIM1):c.2235G>A (p.Leu745=)

Gene: SIM1 (SIM bHLH transcription factor 1; minus strand). Cytogenetic location: 6q16.3.
Variant type: single nucleotide variant.
Coding change: c.2235G>A on transcript NM_005068.3 (MANE Select); coding-DNA position 2235, G replaced by A.
Protein change: p.Leu745=; no amino-acid change (leucine 745 retained).
Molecular consequence: synonymous variant.
Genome position (GRCh38, 1-based): chr6:100,390,427, C>T on the plus strand (G>A on the coding strand, the complement: SIM1 is on the minus strand). VCF-style: chr6-100390427-C-T. GRCh37 (hg19) VCF-style: chr6-100838303-C-T.
Other names: c.2235G>A, p.Leu745= (NM_001374769.1).
Identifiers: ClinVar variation 739944 (VCV000739944.5), dbSNP rs200133561, ClinGen allele CA3936846.

ClinVar aggregate classification (germline): Likely benign. Review status: criteria provided, single submitter (1 of 4 stars). 2 submissions from 2 submitters: Likely benign (1). 1 of the submissions does not count toward it. Last evaluated 2025-03-08.

Conditions:
SIM1-related disorder. Also called: SIM1-related condition; SIM1-related disorders.

Allele frequency attached by ClinVar (database versions not stated): gnomAD 0.00005 and 0.00006; TOPMed 0.00014; 1000 Genomes Project 0.00020; 1000 Genomes Project 30x 0.00031; gnomAD exomes below 0.00001 and 0.00001; ExAC 0.00002.
gnomAD v4.1: 18 of 1,614,146 alleles (0.0011%); highest among the groups gnomAD compares: Admixed American, 0.02%; no homozygotes.

Submissions (2):

Labcorp Genetics (formerly Invitae), Labcorp
Classification: Likely benign. Last evaluated: 2025-03-08. Review status: criteria provided, single submitter. Criteria: Invitae Variant Classification Sherloc (09022015). Collection method: clinical testing. Allele origin: germline.

PreventionGenetics, part of Exact Sciences
Classification: Likely benign for SIM1-related condition. Last evaluated: 2022-08-10. Review status: no assertion criteria provided. Collection method: clinical testing. Allele origin: germline. Not counted in ClinVar's aggregate classification.
Comment: This variant is classified as likely benign based on ACMG/AMP sequence variant interpretation guidelines (Richards et al. 2015 PMID: 25741868, with internal and published modifications).